The following is an entry in ClinVar:

NC_000001.10:g.(?_216464357)_(216538407_?)del

Gene: USH2A (usherin; minus strand). Cytogenetic location: 1q41.
Variant type: Deletion.
Identifiers: ClinVar variation 3248065 (VCV003248065.1).

ClinVar aggregate classification (germline): Pathogenic (1 of 4 stars; one submission).

Submission:

Labcorp Genetics (formerly Invitae), Labcorp
Classification: Pathogenic. Last evaluated: 2020-10-19. Review status: criteria provided, single submitter. Criteria: Invitae Variant Classification Sherloc (09022015). Collection method: clinical testing. Allele origin: unknown.
Comment: For these reasons, this variant has been classified as Pathogenic. This variant disrupts the p.Arg334 amino acid residue in USH2A. Other variant(s) that disrupt this residue have been determined to be pathogenic (PMID: 18452394, 10909849, 28894305). This suggests that this residue is clinically significant, and that variants that disrupt this residue are likely to be disease-causing. This variant has been observed in individual(s) with Usher syndrome type 2 (PMID: 25804404). This variant results in the deletion of exons 5-10 and part of exon 4 (c.672_1840+1160del) of the USH2A gene. It is expected to disrupt RNA splicing. Variants that disrupt the donor or acceptor splice site typically lead to a loss of protein function (PMID: 16199547), and loss-of-function variants in USH2A are known to be pathogenic (PMID: 10729113, 10909849, 20507924, 25649381).

Literature cited by the submitters: PubMed 18452394; PubMed 10909849; PubMed 28894305; PubMed 25804404; PubMed 16199547; PubMed 10729113; PubMed 20507924; PubMed 25649381.